The following is an entry in ClinVar:

ClinVar aggregate classification (germline): Pathogenic (1 of 4 stars; one submission).

Conditions:
Achondrogenesis, type IA (ACG1A). Identifiers: Orphanet 932, Orphanet 93299, MedGen C0265273, MONDO:0008701, OMIM 200600.

Submission:

Labcorp Genetics (formerly Invitae), Labcorp
Classification: Pathogenic for Achondrogenesis, type IA. Last evaluated: 2022-02-11. Review status: criteria provided, single submitter. Criteria: Invitae Variant Classification Sherloc (09022015). Collection method: clinical testing. Allele origin: germline.
Comment: This variant is not present in population databases (gnomAD no frequency). This variant has not been reported in the literature in individuals affected with TRIP11-related conditions. For these reasons, this variant has been classified as Pathogenic. This sequence change creates a premature translational stop signal (p.Leu1214*) in the TRIP11 gene. It is expected to result in an absent or disrupted protein product. Loss-of-function variants in TRIP11 are known to be pathogenic (PMID: 20089971, 23956106).

Literature cited by the submitters: PubMed 20089971; PubMed 23956106.

NM_004239.4(TRIP11):c.3641del (p.Lys1213_Leu1214insTer)

Gene: TRIP11 (thyroid hormone receptor interactor 11; minus strand). Cytogenetic location: 14q32.12.
Variant type: Deletion.
Coding change: c.3641del on transcript NM_004239.4 (MANE Select); coding-DNA position 3641, one base deleted (T; older notation c.3641delT).
Protein change: p.Lys1213_Leu1214insTer.
Molecular consequence: nonsense.
Genome position (GRCh38, 1-based): chr14:92,004,335, A deleted on the plus strand (T on the coding strand, the reverse complement: TRIP11 is on the minus strand); the first of 2 consecutive A bases (chr14:92,004,335-92,004,336); deleting either gives the same sequence. VCF-style (leftmost placement, unchanged base first): chr14-92004334-TA-T. GRCh37 (hg19) VCF-style: chr14-92470678-TA-T.
Other names: c.3638del, p.Lys1212_Leu1213insTer (NM_001321851.1).
Identifiers: ClinVar variation 2096778 (VCV002096778.4), dbSNP rs2543027578, ClinGen allele CA2580088921.